The following is an entry in ClinVar:

ClinVar aggregate classification (germline): Benign (1 of 4 stars; one submission).

Allele frequency attached by ClinVar (database versions not stated): 1000 Genomes Project 0.59824; 1000 Genomes Project 30x 0.60197; gnomAD 0.62955 and 0.64078; TOPMed 0.63631.
gnomAD v4.1: 95,695 of 151,914 alleles (63%); highest among the groups gnomAD compares: African/African-American, 79%; 31,065 homozygotes.

Submission:

GeneDx
Classification: Benign. Last evaluated: 2018-06-16. Review status: criteria provided, single submitter. Criteria: GeneDx Variant Classification (06012015). Collection method: clinical testing. Allele origin: germline. Affected: yes.
Comment: This variant is considered likely benign or benign based on one or more of the following criteria: it is a conservative change, it occurs at a poorly conserved position in the protein, it is predicted to be benign by multiple in silico algorithms, and/or has population frequency not consistent with disease.

NM_001184.4(ATR):c.4383-232G>T

Gene: ATR (ATR checkpoint kinase; minus strand). Cytogenetic location: 3q23.
Variant type: single nucleotide variant.
Coding change: c.4383-232G>T on transcript NM_001184.4 (MANE Select); 232 bases into the intron before coding-DNA position 4383, G replaced by T.
Molecular consequence: intron variant.
Genome position (GRCh38, 1-based): chr3:142,515,747, C>A on the plus strand (G>T on the coding strand, the complement: ATR is on the minus strand). VCF-style: chr3-142515747-C-A. GRCh37 (hg19) VCF-style: chr3-142234589-C-A.
Other names: c.4191-232G>T (NM_001354579.2).
Identifiers: ClinVar variation 678104 (VCV000678104.1), dbSNP rs9855919, ClinGen allele CA84720937.